The following is an entry in ClinVar:

ClinVar aggregate classification (germline): Uncertain significance. Review status: criteria provided, multiple submitters, no conflicts (2 of 4 stars). 2 submissions from 2 submitters: Uncertain significance (2). Last evaluated 2024-02-01.

Conditions:
Bardet-Biedl syndrome 12 (BBS12). Identifiers: Orphanet 110, MedGen C1859570, MONDO:0014440, OMIM 615989.
Bardet-Biedl syndrome (BBS). Identifiers: Orphanet 110, MedGen C0752166, MONDO:0015229.

Submissions (2):

Fulgent Genetics
Classification: Uncertain significance for Bardet-Biedl syndrome 12. Last evaluated: 2024-02-01. Review status: criteria provided, single submitter. Criteria: ACMG Guidelines, 2015. Collection method: clinical testing. Allele origin: germline.

Labcorp Genetics (formerly Invitae), Labcorp
Classification: Uncertain significance for Bardet-Biedl syndrome. Last evaluated: 2021-04-16. Review status: criteria provided, single submitter. Criteria: Invitae Variant Classification Sherloc (09022015). Collection method: clinical testing. Allele origin: germline.
Comment: This sequence change replaces threonine with isoleucine at codon 146 of the BBS12 protein (p.Thr146Ile). The threonine residue is moderately conserved and there is a moderate physicochemical difference between threonine and isoleucine. This variant is not present in population databases (ExAC no frequency). This variant has not been reported in the literature in individuals with BBS12-related conditions. Algorithms developed to predict the effect of missense changes on protein structure and function output the following: SIFT: "Deleterious"; PolyPhen-2: "Benign"; Align-GVGD: "Class C0". The isoleucine amino acid residue is found in multiple mammalian species, suggesting that this missense change does not adversely affect protein function. These predictions have not been confirmed by published functional studies and their clinical significance is uncertain. In summary, the available evidence is currently insufficient to determine the role of this variant in disease. Therefore, it has been classified as a Variant of Uncertain Significance.

NM_152618.3(BBS12):c.437C>T (p.Thr146Ile)

Gene: BBS12 (Bardet-Biedl syndrome 12; plus strand). Cytogenetic location: 4q27.
Variant type: single nucleotide variant.
Coding change: c.437C>T on transcript NM_152618.3 (MANE Select); coding-DNA position 437, C replaced by T.
Protein change: p.Thr146Ile; replaces threonine 146 with isoleucine.
Molecular consequence: missense variant.
Genome position (GRCh38, 1-based): chr4:122,742,329, C>T. VCF-style: chr4-122742329-C-T. GRCh37 (hg19) VCF-style: chr4-123663484-C-T.
Other names: c.437C>T, p.Thr146Ile (NM_001178007.2); short protein forms T146I.
Identifiers: ClinVar variation 1466245 (VCV001466245.9), dbSNP rs2150736213, ClinGen allele CA358222931.
Genomic context (GRCh38, chr4:122,742,329, plus strand): 5'-AGGTAGTTTCTCTTCATGTACCTGTTCACAATATATTTGACTGTATGGACAGCACAAAAA[C>T]ATTTTCTCAACTTGAAACATTTAGTGTAAGTTTGTGTCCTTTTCTACAGGTCCCTTCAGA-3'
Protein context (NP_689831.2, residues 136-156): NIFDCMDSTK[Thr146Ile]FSQLETFSVS